The following is an entry in ClinVar:

NM_001128205.2(SULF1):c.1529G>C (p.Gly510Ala)

Gene: SULF1 (sulfatase 1; plus strand). Cytogenetic location: 8q13.3.
Variant type: single nucleotide variant.
Coding change: c.1529G>C on transcript NM_001128205.2 (MANE Select); coding-DNA position 1529, G replaced by C.
Protein change: p.Gly510Ala; replaces glycine 510 with alanine.
Molecular consequence: missense variant. On other transcripts: 5 prime UTR variant (1), non-coding transcript variant (7).
Genome position (GRCh38, 1-based): chr8:69,621,186, G>C. VCF-style: chr8-69621186-G-C. GRCh37 (hg19) VCF-style: chr8-70533421-G-C.
Other names: c.1529G>C, p.Gly510Ala (NM_001128204.2, NM_001128206.2, NM_001412828.1 and 10 more transcripts); c.1400G>C, p.Gly467Ala (NM_001412832.1, NM_001412838.1, NM_001412839.1 and 1 more transcripts); c.1472G>C, p.Gly491Ala (NM_001412836.1, NM_001412837.1); c.1343G>C, p.Gly448Ala (NM_001412841.1, NM_001412842.1); c.929G>C, p.Gly310Ala (NM_001412844.1, NM_001412845.1); c.-263G>C (NM_001412846.1); short protein forms G310A, G448A, G467A, G510A, G491A.
Identifiers: ClinVar variation 2999620 (VCV002999620.3), dbSNP rs372839295, ClinGen allele CA4775912.
Genomic context (GRCh38, chr8:69,621,186, plus strand): 5'-GGAACCTCTACGCTCGCGGCTTCCATGACAAAGACAAAGAGTGCAGTTGTAGGGAGTCTG[G>C]TTACCGTGCCAGCAGAAGCCAAAGAAAGAGTCAACGGCAATTCTTGAGAAACCAGGGGAC-3'
Protein context (NP_001121677.1, residues 500-520): KDKECSCRES[Gly510Ala]YRASRSQRKS

ClinVar aggregate classification (germline): Uncertain significance (1 of 4 stars; one submission).

Allele frequency attached by ClinVar (database versions not stated): gnomAD exomes below 0.00001; ExAC 0.00001; gnomAD 0.00002; TOPMed 0.00002; ESP Exome Variant Server 0.00008.
gnomAD v4.1: 6 of 1,613,970 alleles (0.00037%); highest among the groups gnomAD compares: African/African-American, 0.0027%; no homozygotes.

Submission:

Labcorp Genetics (formerly Invitae), Labcorp
Classification: Uncertain significance. Last evaluated: 2023-10-06. Review status: criteria provided, single submitter. Criteria: Invitae Variant Classification Sherloc (09022015). Collection method: clinical testing. Allele origin: germline.
Comment: This sequence change replaces glycine, which is neutral and non-polar, with alanine, which is neutral and non-polar, at codon 510 of the SULF1 protein (p.Gly510Ala). This variant is present in population databases (rs372839295, gnomAD 0.004%). This variant has not been reported in the literature in individuals affected with SULF1-related conditions. Algorithms developed to predict the effect of missense changes on protein structure and function output the following: SIFT: "Not Available"; PolyPhen-2: "Benign"; Align-GVGD: "Not Available". The alanine amino acid residue is found in multiple mammalian species, which suggests that this missense change does not adversely affect protein function. In summary, the available evidence is currently insufficient to determine the role of this variant in disease. Therefore, it has been classified as a Variant of Uncertain Significance.